The following is an entry in ClinVar:

ClinVar aggregate classification (germline): Uncertain significance (1 of 4 stars; one submission).

Submission:

Labcorp Genetics (formerly Invitae), Labcorp
Classification: Uncertain significance. Last evaluated: 2022-08-23. Review status: criteria provided, single submitter. Criteria: Invitae Variant Classification Sherloc (09022015). Collection method: clinical testing. Allele origin: germline.
Comment: This variant is not present in population databases (gnomAD no frequency). This sequence change replaces glutamic acid, which is acidic and polar, with lysine, which is basic and polar, at codon 1247 of the ELP1 protein (p.Glu1247Lys). This variant has not been reported in the literature in individuals affected with ELP1-related conditions. Algorithms developed to predict the effect of missense changes on protein structure and function (SIFT, PolyPhen-2, Align-GVGD) all suggest that this variant is likely to be tolerated. Algorithms developed to predict the effect of sequence changes on RNA splicing suggest that this variant may disrupt the consensus splice site. In summary, the available evidence is currently insufficient to determine the role of this variant in disease. Therefore, it has been classified as a Variant of Uncertain Significance.

NM_003640.5(ELP1):c.3739G>A (p.Glu1247Lys)

Gene: ELP1 (elongator acetyltransferase complex subunit 1; minus strand). Cytogenetic location: 9q31.3.
Variant type: single nucleotide variant.
Coding change: c.3739G>A on transcript NM_003640.5 (MANE Select); coding-DNA position 3739, G replaced by A.
Protein change: p.Glu1247Lys; replaces glutamic acid 1247 with lysine.
Molecular consequence: missense variant.
Genome position (GRCh38, 1-based): chr9:108,878,111, C>T on the plus strand (G>A on the coding strand, the complement: ELP1 is on the minus strand). VCF-style: chr9-108878111-C-T. GRCh37 (hg19) VCF-style: chr9-111640391-C-T.
Other names: c.3397G>A, p.Glu1133Lys (NM_001318360.2); c.2692G>A, p.Glu898Lys (NM_001330749.2); short protein forms E1247K, E1133K, E898K.
Identifiers: ClinVar variation 2020097 (VCV002020097.4), dbSNP rs2537855020, ClinGen allele CA374410775.